The following is an entry in ClinVar:

NM_004984.4(KIF5A):c.230G>A (p.Gly77Asp)

Gene: KIF5A (kinesin family member 5A; plus strand). Cytogenetic location: 12q13.3.
Variant type: single nucleotide variant.
Coding change: c.230G>A on transcript NM_004984.4 (MANE Select); coding-DNA position 230, G replaced by A.
Protein change: p.Gly77Asp; replaces glycine 77 with aspartic acid.
Molecular consequence: missense variant. On other transcripts: intron variant (1).
Genome position (GRCh38, 1-based): chr12:57,563,632, G>A. VCF-style: chr12-57563632-G-A. GRCh37 (hg19) VCF-style: chr12-57957415-G-A.
Other names: c.130-828G>A (NM_001354705.2); short protein forms G77D.
Identifiers: ClinVar variation 409671 (VCV000409671.8), dbSNP rs1060502525, ClinGen allele CA16613830.

ClinVar aggregate classification (germline): Uncertain significance (1 of 4 stars; one submission).

Conditions:
Spastic paraplegia. Identifiers: MedGen C0037772, HP:0001258.

Submission:

Labcorp Genetics (formerly Invitae), Labcorp
Classification: Uncertain significance for Spastic paraplegia. Last evaluated: 2016-05-10. Review status: criteria provided, single submitter. Criteria: Invitae Variant Classification Sherloc (09022015). Collection method: clinical testing. Allele origin: germline.
Comment: In summary, this variant is a novel missense change with uncertain impact on protein function. It has been classified as a Variant of Uncertain Significance. A family study may help clarify the significance of this variant. Algorithms developed to predict the effect of missense changes on protein structure and function (SIFT, PolyPhen-2, Align-GVGD) all suggest that this variant is likely to be disruptive, but these predictions have not been confirmed by published functional studies. This variant is not present in population databases (ExAC no frequency) and has not been reported in the literature in individuals with a KIF5A-related disease. This sequence change replaces glycine with aspartic acid at codon 77 of the KIF5A protein (p.Gly77Asp). The glycine residue is highly conserved and there is a moderate physicochemical difference between glycine and aspartic acid.